The following is an entry in ClinVar:

ClinVar aggregate classification (germline): Likely benign. Review status: criteria provided, multiple submitters, no conflicts (2 of 4 stars). 5 submissions from 5 submitters: Likely benign (4). 1 of the submissions does not count toward it. Last evaluated 2025-08-06.

Conditions:
MDH2-related disorder. Also called: MDH2-related condition.
Inborn genetic diseases. Identifiers: MedGen C0950123, MeSH D030342.

Allele frequency attached by ClinVar (database versions not stated): ExAC 0.00001; gnomAD exomes 0.00001; TOPMed 0.00002; gnomAD 0.00003.
gnomAD v4.1: 18 of 1,613,962 alleles (0.0011%); highest among the groups gnomAD compares: Admixed American, 0.0033%; no homozygotes.

Submissions (5):

Labcorp Genetics (formerly Invitae), Labcorp
Classification: Likely benign. Last evaluated: 2025-08-06. Review status: criteria provided, single submitter. Criteria: Invitae Variant Classification Sherloc (09022015). Collection method: clinical testing. Allele origin: germline.

CeGaT Center for Human Genetics Tuebingen
Classification: Likely benign. Last evaluated: 2023-03-01. Review status: criteria provided, single submitter. Criteria: CeGaT Center For Human Genetics Tuebingen Variant Classification Criteria Version 2. Collection method: clinical testing. Allele origin: germline. Affected: yes. Observed: 1 variant allele.
Comment: MDH2: BP4, BP7

Ambry Genetics
Classification: Likely benign for Inborn genetic diseases. Last evaluated: 2022-05-19. Review status: criteria provided, single submitter. Criteria: Ambry Variant Classification Scheme 2023. Collection method: clinical testing. Allele origin: germline.

Blueprint Genetics
Classification: Likely benign. Last evaluated: 2021-05-19. Review status: criteria provided, single submitter. Criteria: ACMG Guidelines, 2015. Collection method: clinical testing. Allele origin: germline.

PreventionGenetics, part of Exact Sciences
Classification: Likely benign for MDH2-related condition. Last evaluated: 2023-12-11. Review status: no assertion criteria provided. Collection method: clinical testing. Allele origin: germline. Not counted in ClinVar's aggregate classification.
Comment: This variant is classified as likely benign based on ACMG/AMP sequence variant interpretation guidelines (Richards et al. 2015 PMID: 25741868, with internal and published modifications).

NM_005918.4(MDH2):c.762C>T (p.Ala254=)

Gene: MDH2 (malate dehydrogenase 2; plus strand). Cytogenetic location: 7q11.23.
Variant type: single nucleotide variant.
Coding change: c.762C>T on transcript NM_005918.4 (MANE Select); coding-DNA position 762, C replaced by T.
Protein change: p.Ala254=; no amino-acid change (alanine 254 retained).
Molecular consequence: synonymous variant.
Genome position (GRCh38, 1-based): chr7:76,064,830, C>T. VCF-style: chr7-76064830-C-T. GRCh37 (hg19) VCF-style: chr7-75694148-C-T.
Other names: c.762C>T (NM_005918.3); c.636C>T, p.Ala212= (NM_001282403.2); c.441C>T, p.Ala147= (NM_001282404.2).
Identifiers: ClinVar variation 1759877 (VCV001759877.33), dbSNP rs782182384, ClinGen allele CA4305703.
Genomic context (GRCh38, chr7:76,064,830, plus strand): 5'-CCAGCCAGGCTGACCTGTCTGTGCCCCCCTAGGCTCTGCCACCCTCTCCATGGCGTATGC[C>T]GGCGCCCGCTTTGTCTTCTCCCTTGTGGATGCAATGAATGGAAAGGAAGGTGTTGTGGAA-3'
Protein context (NP_005909.2, residues 244-264): AGSATLSMAY[Ala254=]GARFVFSLVD